The following is an entry in ClinVar:

ClinVar aggregate classification (germline): Likely benign. Review status: criteria provided, multiple submitters, no conflicts (2 of 4 stars). 2 submissions from 2 submitters: Likely benign (2). Last evaluated 2025-08-06.

Conditions:
POLG-related disorder. Also called: POLG-related condition; POLG-Related Disorders; POLG-Related Spectrum Disorders. Identifiers: MedGen C4763519.
Progressive sclerosing poliodystrophy (MTDPS4A). Also called: Alpers-Huttenlocher Syndrome (AHS); ALPERS PROGRESSIVE INFANTILE POLIODYSTROPHY; Alpers Syndrome; ALPERS DIFFUSE DEGENERATION OF CEREBRAL GRAY MATTER WITH HEPATIC CIRRHOSIS; Alpers-Huttenlocher Syndrome; NEURONAL DEGENERATION OF CHILDHOOD WITH LIVER DISEASE, PROGRESSIVE. Identifiers: Orphanet 726, MedGen C0205710, MONDO:0008758, OMIM 203700.

Allele frequency attached by ClinVar (database versions not stated): gnomAD exomes below 0.00001.
gnomAD v4.1: 2 of 1,614,158 alleles (0.00012%); highest among the groups gnomAD compares: Admixed American, 0.0033%; no homozygotes.

Submissions (2):

PreventionGenetics, part of Exact Sciences
Classification: Likely benign for POLG-related condition. Last evaluated: 2025-08-06. Review status: criteria provided, single submitter. Criteria: ACMG Guidelines, 2015. Collection method: clinical testing. Allele origin: germline.
Comment: This variant is classified as likely benign based on ACMG/AMP sequence variant interpretation guidelines (Richards et al. 2015 PMID: 25741868, with internal and published modifications).

Labcorp Genetics (formerly Invitae), Labcorp
Classification: Likely benign for Progressive sclerosing poliodystrophy. Last evaluated: 2025-08-04. Review status: criteria provided, single submitter. Criteria: Invitae Variant Classification Sherloc (09022015). Collection method: clinical testing. Allele origin: germline.

NM_002693.3(POLG):c.2628C>T (p.Ala876=)

Gene: POLG (DNA polymerase gamma, catalytic subunit; minus strand). Cytogenetic location: 15q26.1.
Variant type: single nucleotide variant.
Coding change: c.2628C>T on transcript NM_002693.3 (MANE Select); coding-DNA position 2628, C replaced by T.
Protein change: p.Ala876=; no amino-acid change (alanine 876 retained).
Molecular consequence: synonymous variant.
Genome position (GRCh38, 1-based): chr15:89,321,231, G>A on the plus strand (C>T on the coding strand, the complement: POLG is on the minus strand). VCF-style: chr15-89321231-G-A. GRCh37 (hg19) VCF-style: chr15-89864462-G-A.
Other names: c.2628C>T, p.Ala876= (NM_001126131.2).
Identifiers: ClinVar variation 528390 (VCV000528390.12), dbSNP rs1422065234, ClinGen allele CA492073267.